The following is an entry in ClinVar:

ClinVar aggregate classification (germline): Uncertain significance (1 of 4 stars; one submission).

Conditions:
Inborn genetic diseases. Identifiers: MedGen C0950123, MeSH D030342.

gnomAD v4.1: 1 of 1,557,674 alleles (0.000064%); highest among the groups gnomAD compares: Non-Finnish European, 0.000086%; no homozygotes.

Submission:

Ambry Genetics
Classification: Uncertain significance for Inborn genetic diseases. Last evaluated: 2026-01-12. Review status: criteria provided, single submitter. Criteria: Ambry Variant Classification Scheme 2023. Collection method: clinical testing. Allele origin: germline.
Comment: The p.V72A variant (also known as c.215T>C), located in coding exon 2 of the ELANE gene, results from a T to C substitution at nucleotide position 215. The valine at codon 72 is replaced by alanine, an amino acid with similar properties. This amino acid position is conserved. In addition, the in silico prediction for this alteration is inconclusive. Based on the available evidence, the clinical significance of this variant remains unclear.

NM_001972.4(ELANE):c.215T>C (p.Val72Ala)

Gene: ELANE (elastase, neutrophil expressed; plus strand). Cytogenetic location: 19p13.3.
Variant type: single nucleotide variant.
Coding change: c.215T>C on transcript NM_001972.4 (MANE Select); coding-DNA position 215, T replaced by C.
Protein change: p.Val72Ala; replaces valine 72 with alanine.
Molecular consequence: missense variant.
Genome position (GRCh38, 1-based): chr19:853,023, T>C. VCF-style: chr19-853023-T-C. GRCh37 (hg19) VCF-style: chr19-853023-T-C.
Other names: short protein forms V72A.
Identifiers: ClinVar variation 4842457 (VCV004842457.1).